The following is an entry in ClinVar:

NM_002618.4(PEX13):c.294T>G (p.Tyr98Ter)

Gene: PEX13 (peroxisomal biogenesis factor 13; plus strand). Cytogenetic location: 2p15.
Variant type: single nucleotide variant.
Coding change: c.294T>G on transcript NM_002618.4 (MANE Select); coding-DNA position 294, T replaced by G.
Protein change: p.Tyr98Ter; replaces tyrosine 98 with a stop codon.
Molecular consequence: nonsense.
Genome position (GRCh38, 1-based): chr2:61,031,620, T>G. VCF-style: chr2-61031620-T-G. GRCh37 (hg19) VCF-style: chr2-61258755-T-G.
Other names: short protein forms Y98*.
Identifiers: ClinVar variation 3651137 (VCV003651137.2).

ClinVar aggregate classification (germline): Pathogenic (1 of 4 stars; one submission).

Conditions:
Peroxisome biogenesis disorder 11A (Zellweger). Also called: Peroxisome biogenesis disorder 11A. Identifiers: Orphanet 912, MedGen C3554000, MONDO:0013949, OMIM 614883.

Submission:

Labcorp Genetics (formerly Invitae), Labcorp
Classification: Pathogenic for Peroxisome biogenesis disorder 11A (Zellweger). Last evaluated: 2024-04-25. Review status: criteria provided, single submitter. Criteria: Invitae Variant Classification Sherloc (09022015). Collection method: clinical testing. Allele origin: germline.
Comment: This sequence change creates a premature translational stop signal (p.Tyr98*) in the PEX13 gene. It is expected to result in an absent or disrupted protein product. Loss-of-function variants in PEX13 are known to be pathogenic (PMID: 10332040, 21031596). This variant is not present in population databases (gnomAD no frequency). This variant has not been reported in the literature in individuals affected with PEX13-related conditions. For these reasons, this variant has been classified as Pathogenic.

Literature cited by the submitters: PubMed 10332040; PubMed 21031596.